The following is an entry in ClinVar:

ClinVar aggregate classification (germline): Uncertain significance (1 of 4 stars; one submission).

gnomAD v4.1: 3 of 1,614,082 alleles (0.00019%); highest among the groups gnomAD compares: Admixed American, 0.0017%; no homozygotes.

Submission:

GeneDx
Classification: Uncertain significance. Last evaluated: 2026-04-23. Review status: criteria provided, single submitter. Criteria: GeneDx Variant Classification Process June 2021. Collection method: clinical testing. Allele origin: germline.
Comment: Not observed at significant frequency in large population cohorts (gnomAD); In silico analysis supports that this missense variant has a deleterious effect on protein structure/function; Has not been previously published as pathogenic or benign to our knowledge

NM_001379659.1(ZNF142):c.5150G>A (p.Cys1717Tyr)

Gene: ZNF142 (zinc finger protein 142; minus strand). Cytogenetic location: 2q35.
Variant type: single nucleotide variant.
Coding change: c.5150G>A on transcript NM_001379659.1 (MANE Select); coding-DNA position 5150, G replaced by A.
Protein change: p.Cys1717Tyr; replaces cysteine 1717 with tyrosine.
Molecular consequence: missense variant.
Genome position (GRCh38, 1-based): chr2:218,640,708, C>T on the plus strand (G>A on the coding strand, the complement: ZNF142 is on the minus strand). VCF-style: chr2-218640708-C-T. GRCh37 (hg19) VCF-style: chr2-219505431-C-T.
Other names: c.4550G>A, p.Cys1517Tyr (NM_001105537.5, NM_001366291.3, NM_001379662.1); c.4061G>A, p.Cys1354Tyr (NM_001366287.3, NM_001366288.3, NM_001366289.3); c.5150G>A, p.Cys1717Tyr (NM_001366290.3, NM_001379660.1, NM_001379661.1); short protein forms C1354Y, C1517Y, C1717Y.
Identifiers: ClinVar variation 5037599 (VCV005037599.1).